The following is an entry in ClinVar:

NM_021927.3(GUF1):c.1246C>T (p.Arg416Ter)

Gene: GUF1 (GTP binding elongation factor GUF1; plus strand). Cytogenetic location: 4p12.
Variant type: single nucleotide variant.
Coding change: c.1246C>T on transcript NM_021927.3 (MANE Select); coding-DNA position 1246, C replaced by T.
Protein change: p.Arg416Ter; replaces arginine 416 with a stop codon.
Molecular consequence: nonsense.
Genome position (GRCh38, 1-based): chr4:44,689,886, C>T. VCF-style: chr4-44689886-C-T. GRCh37 (hg19) VCF-style: chr4-44691903-C-T.
Other names: c.274C>T, p.Arg92Ter (NM_001345867.2, NM_001345869.2); c.1246C>T, p.Arg416Ter (NM_001345868.2); short protein forms R92*, R416*.
Identifiers: ClinVar variation 2916321 (VCV002916321.3), dbSNP rs375135916, ClinGen allele CA2905586.

ClinVar aggregate classification (germline): Uncertain significance (1 of 4 stars; one submission).

Allele frequency attached by ClinVar (database versions not stated): ExAC 0.00002; TOPMed 0.00001; gnomAD exomes 0.00002.
gnomAD v4.1: 26 of 1,604,512 alleles (0.0016%); highest among the groups gnomAD compares: Middle Eastern, 0.033%; no homozygotes.

Submission:

Labcorp Genetics (formerly Invitae), Labcorp
Classification: Uncertain significance. Last evaluated: 2025-07-10. Review status: criteria provided, single submitter. Criteria: Invitae Variant Classification Sherloc (09022015). Collection method: clinical testing. Allele origin: germline.
Comment: This sequence change creates a premature translational stop signal (p.Arg416*) in the GUF1 gene. It is expected to result in an absent or disrupted protein product. However, the current clinical and genetic evidence is not sufficient to establish whether loss-of-function variants in GUF1 cause disease. This variant is present in population databases (rs375135916, gnomAD 0.007%). This variant has not been reported in the literature in individuals affected with GUF1-related conditions. ClinVar contains an entry for this variant (Variation ID: 2916321). Algorithms developed to predict the effect of sequence changes on RNA splicing suggest that this variant may disrupt the consensus splice site. In summary, the available evidence is currently insufficient to determine the role of this variant in disease. Therefore, it has been classified as a Variant of Uncertain Significance.